The following is an entry in ClinVar:

ClinVar aggregate classification (germline): Conflicting classifications of pathogenicity. Review status: criteria provided, conflicting classifications (1 of 4 stars). 11 submissions from 11 submitters: Uncertain significance (7); Likely benign (3). 1 of the submissions does not count toward it. Last evaluated 2026-09-21.

Conditions:
Cardiovascular phenotype. Identifiers: MedGen CN230736.
Hypertrophic cardiomyopathy 15. Identifiers: MedGen C2750459, MONDO:0013200, OMIM 613255.
Dilated cardiomyopathy 1W (CMD1W). Identifiers: Orphanet 154, MedGen C1969639, MONDO:0012667, OMIM 611407.
Cardiomyopathy (CMYO). Also called: Cardiomyopathies. Identifiers: Orphanet 167848, MedGen C0878544, MONDO:0004994, HP:0001638. Inheritance: Various modes of inheritance.
VCL-related disorder. Also called: VCL-related condition.
Hypertrophic cardiomyopathy. Also called: HYPERTROPHIC MYOCARDIOPATHY. Identifiers: Orphanet 217569, MedGen C0007194, MeSH D002312, MONDO:0005045, HP:0001639.

Allele frequency attached by ClinVar (database versions not stated): ExAC 0.00004; ESP Exome Variant Server 0.00008; 1000 Genomes Project 30x 0.00016; TOPMed 0.00017; gnomAD 0.00010 and 0.00011.
gnomAD v4.1: 153 of 1,614,190 alleles (0.0095%); highest among the groups gnomAD compares: Admixed American, 0.017%; no homozygotes.

Submissions (11):

Molecular Diagnostic Laboratory for Inherited Cardiovascular Disease, Montreal Heart Institute
Classification: Likely benign. Last evaluated: 2026-09-21. Review status: criteria provided, single submitter. Criteria: ACMG Guidelines, 2015. Collection method: clinical testing. Allele origin: germline. Affected: no.
Comment: BS2, BP4

PreventionGenetics, part of Exact Sciences
Classification: Uncertain significance for VCL-related condition. Last evaluated: 2026-08-06. Review status: criteria provided, single submitter. Criteria: ACMG Guidelines, 2015. Collection method: clinical testing. Allele origin: germline.
Comment: The VCL c.829C>A variant is predicted to result in the amino acid substitution p.Leu277Met. This variant has been reported in individuals with hypertrophic cardiomyopathy (see for example: Vasile et al. 2006. PubMed ID: 16712796; Theis et al. 2006. PubMed ID: 17097056; Andreasen et al. 2013. PubMed ID: 23299917; Mazzarotto et al. 2018. PubMed ID: 29875424; Robyns et al. 2019. PubMed ID: 31513939). This variant is reported in 0.019% of alleles in individuals of European (non-Finnish) descent in gnomAD and has conflicting interpretations regarding its pathogenicity in ClinVar, ranging from likely benign to uncertain (Variation ID: 12198). At this time, the clinical significance of this variant is uncertain due to the absence of conclusive functional and genetic evidence.

Labcorp Genetics (formerly Invitae), Labcorp
Classification: Uncertain significance for Dilated cardiomyopathy 1W. Last evaluated: 2026-01-06. Review status: criteria provided, single submitter. Criteria: Invitae Variant Classification Sherloc (09022015). Collection method: clinical testing. Allele origin: germline.
Comment: This sequence change replaces leucine, which is neutral and non-polar, with methionine, which is neutral and non-polar, at codon 277 of the VCL protein (p.Leu277Met). This variant is present in population databases (rs71579353, gnomAD 0.02%). This missense change has been observed in individual(s) with hypertrophic cardiomyopathy (PMID: 16712796, 24503780, 27930701, 31513939). ClinVar contains an entry for this variant (Variation ID: 12198). An algorithm developed to predict the effect of missense changes on protein structure and function (PolyPhen-2) suggests that this variant is likely to be tolerated. In summary, the available evidence is currently insufficient to determine the role of this variant in disease. Therefore, it has been classified as a Variant of Uncertain Significance.

GeneDx
Classification: Uncertain significance. Last evaluated: 2025-07-14. Review status: criteria provided, single submitter. Criteria: GeneDx Variant Classification Process June 2021. Collection method: clinical testing. Allele origin: germline. Affected: yes.
Comment: In silico analysis suggests that this missense variant does not alter protein structure/function; This variant is associated with the following publications: (PMID: 23299917, 24503780, 25179549, 28218286, 24062880, 17097056, 27957775, 27930701, 31513939, 29875424, 16712796, 28771489)

Ambry Genetics
Classification: Uncertain significance for Cardiovascular phenotype. Last evaluated: 2024-11-25. Review status: criteria provided, single submitter. Criteria: Ambry Variant Classification Scheme 2023. Collection method: clinical testing. Allele origin: germline.

Blueprint Genetics
Classification: Likely benign. Last evaluated: 2024-09-02. Review status: criteria provided, single submitter. Criteria: ACMG Guidelines, 2015. Collection method: clinical testing. Allele origin: germline.

Women's Health and Genetics/Laboratory Corporation of America, LabCorp
Classification: Likely benign. Last evaluated: 2022-09-06. Review status: criteria provided, single submitter. Criteria: LabCorp Variant Classification Summary - May 2015. Collection method: clinical testing. Allele origin: germline.
Comment: Variant summary: VCL c.829C>A (p.Leu277Met) results in a conservative amino acid change in the encoded protein sequence. Four of five in-silico tools predict a benign effect of the variant on protein function. The variant allele was found at a frequency of 0.00011 in 251860 control chromosomes. The observed variant frequency is approximately 4.3 fold of the estimated maximal expected allele frequency for a pathogenic variant in VCL causing Cardiomyopathy phenotype (2.5e-05), strongly suggesting that the variant is benign. c.829C>A has been reported in the literature in at-least one individual with hypertrophic cardiomyopathy (HCM) and continues to be reported as a VUS in settings of multigene panel testing among cohorts of affected individuals with dilated cardiomyopathy (DCM), sudden cardiac death (SCD) and HCM (example, Vasile_2006, Pugh_2014, Sanchez_2016, Mazzarotto_2019, Robyns_2020). These data do not allow any conclusion about variant significance. To our knowledge, no experimental evidence demonstrating an impact on protein function has been reported. Four clinical diagnostic laboratories have submitted clinical-significance assessments for this variant to ClinVar after 2014 without evidence for independent evaluation. All laboratories classified the variant as uncertain significance. Based on the evidence outlined above, the variant was classified as likely benign.

CHEO Genetics Diagnostic Laboratory, Children's Hospital of Eastern Ontario
Classification: Uncertain significance for Cardiomyopathy. Last evaluated: 2021-09-23. Review status: criteria provided, single submitter. Criteria: ACMG Guidelines, 2015. Collection method: clinical testing. Allele origin: germline.

Fulgent Genetics
Classification: Uncertain significance for Dilated cardiomyopathy 1W; Hypertrophic cardiomyopathy 15. Last evaluated: 2021-07-22. Review status: criteria provided, single submitter. Criteria: ACMG Guidelines, 2015. Collection method: clinical testing. Allele origin: unknown.

Center for Human Genetics, University of Leuven
Classification: Uncertain significance for Hypertrophic cardiomyopathy. Last evaluated: 2018-10-31. Review status: criteria provided, single submitter. Criteria: ACMG Guidelines, 2015. Collection method: clinical testing. Allele origin: germline. Affected: yes.

OMIM
Classification: Pathogenic for CARDIOMYOPATHY, FAMILIAL HYPERTROPHIC, 15. Last evaluated: 2006-07-07. Review status: no assertion criteria provided. Collection method: literature only. Allele origin: germline. Not counted in ClinVar's aggregate classification.

Literature cited by the submitters: PubMed 16712796 (cited by 3 submitters); PubMed 24503780 (cited by Labcorp Genetics (formerly Invitae), Labcorp and Women's Health and Genetics/Laboratory Corporation of America, LabCorp); PubMed 27930701 (cited by Labcorp Genetics (formerly Invitae), Labcorp and Women's Health and Genetics/Laboratory Corporation of America, LabCorp); PubMed 31513939 (cited by Labcorp Genetics (formerly Invitae), Labcorp and Women's Health and Genetics/Laboratory Corporation of America, LabCorp); PubMed 23299917 (cited by Women's Health and Genetics/Laboratory Corporation of America, LabCorp); PubMed 29875424 (cited by Women's Health and Genetics/Laboratory Corporation of America, LabCorp).

NM_014000.3(VCL):c.829C>A (p.Leu277Met)

Gene: VCL (vinculin; plus strand). Cytogenetic location: 10q22.2.
Variant type: single nucleotide variant.
Coding change: c.829C>A on transcript NM_014000.3 (MANE Select); coding-DNA position 829, C replaced by A.
Protein change: p.Leu277Met; replaces leucine 277 with methionine.
Molecular consequence: missense variant.
Genome position (GRCh38, 1-based): chr10:74,082,499, C>A. VCF-style: chr10-74082499-C-A. GRCh37 (hg19) VCF-style: chr10-75842257-C-A.
Other names: c.829C>A, p.Leu277Met (NM_003373.4); short protein forms L277M.
Identifiers: ClinVar variation 12198 (VCV000012198.42), dbSNP rs71579353, ClinGen allele CA121941.